The following is an entry in ClinVar:

ClinVar aggregate classification (germline): Pathogenic (1 of 4 stars; one submission).

Conditions:
Tuberous sclerosis 2 (TSC2). Identifiers: Orphanet 805, MedGen C1860707, MONDO:0013199, OMIM 613254.

Submission:

Labcorp Genetics (formerly Invitae), Labcorp
Classification: Pathogenic for Tuberous sclerosis 2. Last evaluated: 2022-06-02. Review status: criteria provided, single submitter. Criteria: Invitae Variant Classification Sherloc (09022015). Collection method: clinical testing. Allele origin: germline.
Comment: This variant results in the deletion of exons 11-12 and part of exon 13 (c.976-522_1308del) of the TSC2 gene. It is expected to disrupt RNA splicing. Variants that disrupt the donor or acceptor splice site typically lead to a loss of protein function (PMID: 16199547), and loss-of-function variants in TSC2 are known to be pathogenic (PMID: 10205261, 17304050). This variant has been observed in individual(s) with tuberous sclerosis complex (Invitae). For these reasons, this variant has been classified as Pathogenic.

Literature cited by the submitters: PubMed 16199547; PubMed 10205261; PubMed 17304050.

NC_000016.9:g.(?_2110149)_(2112548_?)del

Gene: TSC2 (TSC complex subunit 2; plus strand). Cytogenetic location: 16p13.3.
Variant type: Deletion.
Identifiers: ClinVar variation 2423304 (VCV002423304.4).